The following is an entry in ClinVar:

ClinVar aggregate classification (germline): Likely pathogenic (1 of 4 stars; one submission).

Conditions:
Hereditary acrodermatitis enteropathica (AEZ). Also called: Acrodermatitis enteropathica. Identifiers: Orphanet 37, MedGen C0221036, MONDO:0008713, OMIM 201100.

Submission:

Natera, Inc.
Classification: Likely pathogenic for Acrodermatitis enteropathica. Last evaluated: 2024-09-30. Review status: criteria provided, single submitter. Criteria: Natera Variant Classification Schema (03/2026). Collection method: clinical testing. Allele origin: germline.
Comment: The c.265del variant in SLC39A4 is a frameshift variant predicted to shift the reading frame beginning at codon 89 and leads to a stop codon 48 codons downstream. This variant is expected to result in nonsense mediated decay, truncation, or a dysfunctional protein product. This variant is rare in the general population with a frequency below the threshold expected for the associated phenotype(s). Given the available evidence, this variant is classified as Likely Pathogenic.

NM_130849.4(SLC39A4):c.265del (p.Glu89fs)

Gene: SLC39A4 (solute carrier family 39 member 4; minus strand). Cytogenetic location: 8q24.3.
Variant type: Deletion.
Coding change: c.265del on transcript NM_130849.4 (MANE Select); coding-DNA position 265, one base deleted (G; older notation c.265delG).
Protein change: p.Glu89fs; shifts the reading frame from glutamic acid 89.
Molecular consequence: frameshift variant. On other transcripts: intron variant (1).
Genome position (GRCh38, 1-based): chr8:144,416,019, C deleted on the plus strand (G on the coding strand, the reverse complement: SLC39A4 is on the minus strand); the first of 2 consecutive C bases (chr8:144,416,019-144,416,020); deleting either gives the same sequence. VCF-style (leftmost placement, unchanged base first): chr8-144416018-TC-T. GRCh37 (hg19) VCF-style: chr8-145641402-TC-T.
Other names: c.190del, p.Glu64fs (NM_017767.3); c.192+579del (NM_001374839.1); short protein forms E64fs, E89fs.
Identifiers: ClinVar variation 4816462 (VCV004816462.1).
Genomic context (GRCh38, chr8:144,416,018, plus strand): 5'-CCCTCGGGGTTGCTGAGGTACAGGACGGCGGCGGCACTGAGGCGGGCGACGTACCTGGCC[TC>T]CAGGACCGGGCCCGGGGGCAGCCCTGACCCCTCAGGCTCGCCCAGGCCCAGGGCGTCCTC-3'